The following is an entry in ClinVar:

ClinVar aggregate classification (germline): Likely pathogenic (1 of 4 stars; one submission).

Conditions:
Cardiovascular phenotype. Identifiers: MedGen CN230736.

Submission:

Molecular Diagnostic Laboratory for Inherited Cardiovascular Disease, Montreal Heart Institute
Classification: Likely pathogenic for Cardiovascular phenotype. Last evaluated: 2026-07-27. Review status: criteria provided, single submitter. Criteria: ACMG Guidelines, 2015. Collection method: clinical testing. Allele origin: germline. Affected: yes.
Comment: PVS1, PM2

NM_001267550.2(TTN):c.65682del (p.Val21895fs)

Genes: TTN (titin; minus strand), TTN-AS1 (TTN antisense RNA 1; plus strand). Cytogenetic location: 2q31.2.
Variant type: Deletion.
Coding change: c.65682del on transcript NM_001267550.2 (MANE Select); coding-DNA position 65682, one base deleted (A; older notation c.65682delA).
Protein change: p.Val21895fs; shifts the reading frame from valine 21895.
Molecular consequence: frameshift variant. On other transcripts: non-coding transcript variant (1).
Genome position (GRCh38, 1-based): chr2:178,583,121, T deleted on the plus strand (A on the coding strand, the reverse complement: TTN is on the minus strand). VCF-style (leftmost placement, unchanged base first): chr2-178583120-CT-C. GRCh37 (hg19) VCF-style: chr2-179447847-CT-C.
Other names: c.60759del, p.Val20254fs (NM_001256850.1); c.38487del, p.Val12830fs (NM_003319.4); c.57978del, p.Val19327fs (NM_133378.4); c.38862del, p.Val12955fs (NM_133432.3); c.39063del, p.Val13022fs (NM_133437.4); short protein forms V12830fs, V12955fs, V13022fs, V19327fs, V20254fs, V21895fs.
Identifiers: ClinVar variation 5037813 (VCV005037813.1).